The following is an entry in ClinVar:

ClinVar aggregate classification (germline): Likely benign (0 of 4 stars; one submission).

Conditions:
FIG4-related disorder. Also called: FIG4-related disorders; FIG4-related condition.

Allele frequency attached by ClinVar (database versions not stated): gnomAD 0.00001.
gnomAD v4.1: 1 of 1,613,074 alleles (0.000062%); highest among the groups gnomAD compares: African/African-American, 0.0013%; no homozygotes.

Submission:

PreventionGenetics, part of Exact Sciences
Classification: Likely benign for FIG4-related condition. Last evaluated: 2022-12-27. Review status: no assertion criteria provided. Collection method: clinical testing. Allele origin: germline.
Comment: This variant is classified as likely benign based on ACMG/AMP sequence variant interpretation guidelines (Richards et al. 2015 PMID: 25741868, with internal and published modifications).

NM_014845.6(FIG4):c.2547-3T>C

Gene: FIG4 (FIG4 phosphoinositide 5-phosphatase; plus strand). Cytogenetic location: 6q21.
Variant type: single nucleotide variant.
Coding change: c.2547-3T>C on transcript NM_014845.6 (MANE Select); 3 bases into the intron before coding-DNA position 2547, T replaced by C.
Molecular consequence: intron variant.
Genome position (GRCh38, 1-based): chr6:109,825,085, T>C. VCF-style: chr6-109825085-T-C. GRCh37 (hg19) VCF-style: chr6-110146288-T-C.
Identifiers: ClinVar variation 3045481 (VCV003045481.2), dbSNP rs537171532, ClinGen allele CA1093075583.
Genomic context (GRCh38, chr6:109,825,085, plus strand): 5'-GCTCCCTGTGGTCCTTCCTTATATTTTCTTTAATGCAGCCCTCTCTTTATTCATCTTTTA[T>C]AGAACACCCATCTCGGCTTTCTCGCAAGATAACATCTATGAAGTTCAGCCCCCAAGAGTA-3'